The following is an entry in ClinVar:

NM_003998.4(NFKB1):c.1384G>C (p.Val462Leu)

Gene: NFKB1 (nuclear factor kappa B subunit 1; plus strand). Cytogenetic location: 4q24.
Variant type: single nucleotide variant.
Coding change: c.1384G>C on transcript NM_003998.4 (MANE Select); coding-DNA position 1384, G replaced by C.
Protein change: p.Val462Leu; replaces valine 462 with leucine.
Molecular consequence: missense variant.
Genome position (GRCh38, 1-based): chr4:102,596,221, G>C. VCF-style: chr4-102596221-G-C. GRCh37 (hg19) VCF-style: chr4-103517378-G-C.
Other names: c.1381G>C, p.Val461Leu (NM_001165412.2, NM_001319226.2, NM_001382627.1); c.1384G>C, p.Val462Leu (NM_001382625.1, NM_001382626.1); c.1342G>C, p.Val448Leu (NM_001382628.1); short protein forms V448L, V461L, V462L.
Identifiers: ClinVar variation 1704798 (VCV001704798.2), dbSNP rs749931994, ClinGen allele CA3026142.
Genomic context (GRCh38, chr4:102,596,221, plus strand): 5'-AAGGACCCTGAAGGTTGTGACAAAAGTGATGACAAAAACACTGTAAACCTCTTTGGGAAA[G>C]TTATTGAAACCACAGAGCAAGATCAGGAGCCCAGCGAGGCCACCGTTGGGAATGGTGAGG-3'
Protein context (NP_003989.2, residues 452-472): DKNTVNLFGK[Val462Leu]IETTEQDQEP

ClinVar aggregate classification (germline): Uncertain significance (1 of 4 stars; one submission).

Allele frequency attached by ClinVar (database versions not stated): ExAC 0.00001.

Submission:

GeneDx
Classification: Uncertain significance. Last evaluated: 2022-03-07. Review status: criteria provided, single submitter. Criteria: GeneDx Variant Classification Process June 2021. Collection method: clinical testing. Allele origin: germline. Affected: yes.
Comment: Not observed at significant frequency in large population cohorts (gnomAD); In silico analysis supports that this missense variant does not alter protein structure/function; Has not been previously published as pathogenic or benign to our knowledge